The following is an entry in ClinVar:

ClinVar aggregate classification (germline): Uncertain significance (1 of 4 stars; one submission).

Conditions:
Familial temporal lobe epilepsy 7. Identifiers: Orphanet 101046, MedGen C4225327, MONDO:0014639, OMIM 616436.
Norman-Roberts syndrome (LIS2). Also called: Lissencephaly 2 (Norman-Roberts type). Identifiers: Orphanet 89844, MedGen C0796089, MONDO:0009760, OMIM 257320.

Allele frequency attached by ClinVar (database versions not stated): gnomAD exomes below 0.00001; ExAC 0.00001; gnomAD 0.00001.
gnomAD v4.1: 1 of 1,613,804 alleles (0.000062%); highest among the groups gnomAD compares: Non-Finnish European, 0.000085%; no homozygotes.

Submission:

Labcorp Genetics (formerly Invitae), Labcorp
Classification: Uncertain significance for Familial temporal lobe epilepsy 7; Norman-Roberts syndrome. Last evaluated: 2020-10-14. Review status: criteria provided, single submitter. Criteria: Invitae Variant Classification Sherloc (09022015). Collection method: clinical testing. Allele origin: germline.
Comment: In summary, the available evidence is currently insufficient to determine the role of this variant in disease. Therefore, it has been classified as a Variant of Uncertain Significance. Algorithms developed to predict the effect of missense changes on protein structure and function are either unavailable or do not agree on the potential impact of this missense change (SIFT: "Deleterious"; PolyPhen-2: "Benign"; Align-GVGD: "Class C0"). This variant has not been reported in the literature in individuals with RELN-related conditions. This variant is present in population databases (rs779269833, ExAC 0.002%). This sequence change replaces tyrosine with cysteine at codon 246 of the RELN protein (p.Tyr246Cys). The tyrosine residue is moderately conserved and there is a large physicochemical difference between tyrosine and cysteine.

NM_005045.4(RELN):c.737A>G (p.Tyr246Cys)

Gene: RELN (reelin; minus strand). Cytogenetic location: 7q22.1.
Variant type: single nucleotide variant.
Coding change: c.737A>G on transcript NM_005045.4 (MANE Select); coding-DNA position 737, A replaced by G.
Protein change: p.Tyr246Cys; replaces tyrosine 246 with cysteine.
Molecular consequence: missense variant.
Genome position (GRCh38, 1-based): chr7:103,728,127, T>C on the plus strand (A>G on the coding strand, the complement: RELN is on the minus strand). VCF-style: chr7-103728127-T-C. GRCh37 (hg19) VCF-style: chr7-103368574-T-C.
Other names: c.737A>G, p.Tyr246Cys (NM_173054.3); short protein forms Y246C.
Identifiers: ClinVar variation 1011991 (VCV001011991.8), dbSNP rs779269833, ClinGen allele CA4422468.